The following is an entry in ClinVar:

ClinVar aggregate classification (germline): Conflicting classifications of pathogenicity. Review status: criteria provided, conflicting classifications (1 of 4 stars). 4 submissions from 4 submitters: Uncertain significance (3); Likely benign (1). Last evaluated 2025-11-18.

Conditions:
Ehlers-Danlos syndrome, classic type, 1 (EDSCL1). Also called: Ehlers-Danlos syndrome, type 1; EHLERS-DANLOS SYNDROME, GRAVIS TYPE; EHLERS-DANLOS SYNDROME, SEVERE CLASSIC TYPE; EDS I; Ehlers-Danlos Syndrome, Classic Type, COL5A1-Related. Identifiers: MedGen C0268335, MONDO:0019567, OMIM 130000.

Allele frequency attached by ClinVar (database versions not stated): gnomAD 0.00001; ExAC 0.00001; TOPMed 0.00002.
gnomAD v4.1: 17 of 1,613,280 alleles (0.0011%); highest among the groups gnomAD compares: African/African-American, 0.0027%; no homozygotes.

Submissions (4):

Labcorp Genetics (formerly Invitae), Labcorp
Classification: Likely benign for Ehlers-Danlos syndrome, classic type, 1. Last evaluated: 2025-11-18. Review status: criteria provided, single submitter. Criteria: Invitae Variant Classification Sherloc (09022015). Collection method: clinical testing. Allele origin: germline.

Women's Health and Genetics/Laboratory Corporation of America, LabCorp
Classification: Uncertain significance. Last evaluated: 2025-03-10. Review status: criteria provided, single submitter. Criteria: LabCorp Variant Classification Summary - May 2015. Collection method: clinical testing. Allele origin: germline.
Comment: Variant summary: COL5A1 c.2992G>A (p.Val998Met) results in a conservative amino acid change in the encoded protein sequence. Four of five in-silico tools predict a damaging effect of the variant on protein function. The variant allele was found at a frequency of 8e-06 in 250962 control chromosomes. The available data on variant occurrences in the general population are insufficient to allow any conclusion about variant significance. To our knowledge, no occurrence of c.2992G>A in individuals affected with Ehlers-Danlos syndrome, classic type, Ehlers-Danlos syndrome, classic type, 1 and no experimental evidence demonstrating its impact on protein function have been reported. ClinVar contains an entry for this variant (Variation ID: 947978). Based on the evidence outlined above, the variant was classified as uncertain significance.

Mayo Clinic Laboratories, Mayo Clinic
Classification: Uncertain significance. Last evaluated: 2024-06-28. Review status: criteria provided, single submitter. Criteria: ACMG Guidelines, 2015. Collection method: clinical testing. Allele origin: germline. Observed: 1 variant allele.

GeneDx
Classification: Uncertain significance. Last evaluated: 2020-12-21. Review status: criteria provided, single submitter. Criteria: GeneDx Variant Classification Process June 2021. Collection method: clinical testing. Allele origin: germline. Affected: yes.
Comment: Has not been previously published as pathogenic or benign to our knowledge; Reported in ClinVar as a variant of uncertain significance (ClinVar Variant ID# 947978; Landrum et al., 2016); Not observed at a significant frequency in large population cohorts (Lek et al., 2016); In silico analysis supports that this missense variant does not alter protein structure/function; Occurs in the triple helical domain at the X position in the canonical Gly-X-Y repeat; although this variant may have an effect on normal protein folding and function, missense substitution at the X position is not a common mechanism of disease (Symoens et al., 2012; Stenson et al., 2014)

NM_000093.5(COL5A1):c.2992G>A (p.Val998Met)

Gene: COL5A1 (collagen type V alpha 1 chain; plus strand). Cytogenetic location: 9q34.3.
Variant type: single nucleotide variant.
Coding change: c.2992G>A on transcript NM_000093.5 (MANE Select); coding-DNA position 2992, G replaced by A.
Protein change: p.Val998Met; replaces valine 998 with methionine.
Molecular consequence: missense variant.
Genome position (GRCh38, 1-based): chr9:134,801,993, G>A. VCF-style: chr9-134801993-G-A. GRCh37 (hg19) VCF-style: chr9-137693839-G-A.
Other names: p.Val998Met; c.2992G>A, p.Val998Met (NM_001278074.1); short protein forms V998M.
Identifiers: ClinVar variation 947978 (VCV000947978.15), dbSNP rs776676564, ClinGen allele CA5319712.
Genomic context (GRCh38, chr9:134,801,993, plus strand): 5'-GCAGTGACTCTCTCTTCACAGGGTTTCCAAGGCAAGACCGGCCCTCCAGGCCCCCCCGGC[G>A]TGGTCGGCCCTCAGGTAAGCTCCAGCCTTCCCAGATTCCATGGGTCACTCGGTGTCACTT-3'
Protein context (NP_000084.3, residues 988-1008): GKTGPPGPPG[Val998Met]VGPQGPTGET